The following is an entry in ClinVar:

NM_198721.4(COL25A1):c.1344+6T>G

Gene: COL25A1 (collagen type XXV alpha 1 chain; minus strand). Cytogenetic location: 4q25.
Variant type: single nucleotide variant.
Coding change: c.1344+6T>G on transcript NM_198721.4 (MANE Select); 6 bases into the intron after coding-DNA position 1344, T replaced by G.
Molecular consequence: intron variant.
Genome position (GRCh38, 1-based): chr4:108,852,896, A>C on the plus strand (T>G on the coding strand, the complement: COL25A1 is on the minus strand). VCF-style: chr4-108852896-A-C. GRCh37 (hg19) VCF-style: chr4-109774052-A-C.
Other names: c.1344+6T>G (NM_032518.4); c.1264-616T>G (NM_001256074.3).
Identifiers: ClinVar variation 3033235 (VCV003033235.2), dbSNP rs2476723415, ClinGen allele CA2740091556.
Genomic context (GRCh38, chr4:108,852,896, plus strand): 5'-TTGGCTGGCATGCATCAACACCAAATACAAAACCACAAACCACAGAAAGCATGCAATAGG[A>C]GTTACCGTGACAGTTAAGGTGGTAATCCTCTGTTGGGAAAATGTGTTGACAAAGACAGAG-3'

ClinVar aggregate classification (germline): Likely benign (0 of 4 stars; one submission).

Conditions:
COL25A1-related disorder. Also called: COL25A1-related condition.

Submission:

PreventionGenetics, part of Exact Sciences
Classification: Likely benign for COL25A1-related condition. Last evaluated: 2019-06-17. Review status: no assertion criteria provided. Collection method: clinical testing. Allele origin: germline.
Comment: This variant is classified as likely benign based on ACMG/AMP sequence variant interpretation guidelines (Richards et al. 2015 PMID: 25741868, with internal and published modifications).